The following is an entry in ClinVar:

ClinVar aggregate classification (germline): Uncertain significance. Review status: criteria provided, multiple submitters, no conflicts (2 of 4 stars). 2 submissions from 2 submitters: Uncertain significance (2). Last evaluated 2026-05-27.

Conditions:
Fanconi anemia (FA). Also called: Fanconi's anemia. Identifiers: Orphanet 84, MedGen C0015625, MeSH D005199, MONDO:0019391.
Inborn genetic diseases. Identifiers: MedGen C0950123, MeSH D030342.

gnomAD v4.1: 1 of 1,614,130 alleles (0.000062%); highest among the groups gnomAD compares: South Asian, 0.0011%; no homozygotes.

Submissions (2):

Ambry Genetics
Classification: Uncertain significance for Inborn genetic diseases. Last evaluated: 2026-05-27. Review status: criteria provided, single submitter. Criteria: Ambry Variant Classification Scheme 2023. Collection method: clinical testing. Allele origin: germline.
Comment: The p.Q41E variant (also known as c.121C>G), located in coding exon 2 of the FANCA gene, results from a C to G substitution at nucleotide position 121. The glutamine at codon 41 is replaced by glutamic acid, an amino acid with highly similar properties. This amino acid position is conserved. In addition, this alteration is predicted to be tolerated by in silico analysis. Based on the available evidence, the clinical significance of this variant remains unclear.

Labcorp Genetics (formerly Invitae), Labcorp
Classification: Uncertain significance for Fanconi anemia. Last evaluated: 2021-11-25. Review status: criteria provided, single submitter. Criteria: Invitae Variant Classification Sherloc (09022015). Collection method: clinical testing. Allele origin: germline.
Comment: This sequence change replaces glutamine, which is neutral and polar, with glutamic acid, which is acidic and polar, at codon 41 of the FANCA protein (p.Gln41Glu). This variant is not present in population databases (gnomAD no frequency). This variant has not been reported in the literature in individuals affected with FANCA-related conditions. ClinVar contains an entry for this variant (Variation ID: 1005195). Advanced modeling of protein sequence and biophysical properties (such as structural, functional, and spatial information, amino acid conservation, physicochemical variation, residue mobility, and thermodynamic stability) performed at Invitae indicates that this missense variant is not expected to disrupt FANCA protein function. In summary, the available evidence is currently insufficient to determine the role of this variant in disease. Therefore, it has been classified as a Variant of Uncertain Significance.

NM_000135.4(FANCA):c.121C>G (p.Gln41Glu)

Gene: FANCA (FA complementation group A; minus strand). Cytogenetic location: 16q24.3.
Variant type: single nucleotide variant.
Coding change: c.121C>G on transcript NM_000135.4 (MANE Select); coding-DNA position 121, C replaced by G.
Protein change: p.Gln41Glu; replaces glutamine 41 with glutamic acid.
Molecular consequence: missense variant.
Genome position (GRCh38, 1-based): chr16:89,815,945, G>C on the plus strand (C>G on the coding strand, the complement: FANCA is on the minus strand). VCF-style: chr16-89815945-G-C. GRCh37 (hg19) VCF-style: chr16-89882353-G-C.
Other names: c.121C>G, p.Gln41Glu (NM_001018112.3, NM_001286167.3, NM_001351830.2); c.121C>G (NM_000135.2); short protein forms Q41E.
Identifiers: ClinVar variation 1005195 (VCV001005195.5), dbSNP rs764533094, ClinGen allele CA397483519.